The following is an entry in ClinVar:

ClinVar aggregate classification (germline): Uncertain significance (1 of 4 stars; one submission).

Conditions:
Autosomal recessive spastic paraplegia type 78. Identifiers: Orphanet 513436, MedGen C5567893, MONDO:0014975, OMIM 617225.
Kufor-Rakeb syndrome (KRS). Also called: PARKINSON DISEASE 9, AUTOSOMAL RECESSIVE, JUVENILE-ONSET. Identifiers: Orphanet 306674, Orphanet 314632, MedGen C1847640, MONDO:0011706, OMIM 606693.

Allele frequency attached by ClinVar (database versions not stated): TOPMed below 0.00001; gnomAD exomes 0.00003.
gnomAD v4.1: 48 of 1,613,722 alleles (0.003%); highest among the groups gnomAD compares: Non-Finnish European, 0.0038%; no homozygotes.

Submission:

Labcorp Genetics (formerly Invitae), Labcorp
Classification: Uncertain significance for Kufor-Rakeb syndrome; Autosomal recessive spastic paraplegia type 78. Last evaluated: 2022-08-10. Review status: criteria provided, single submitter. Criteria: Invitae Variant Classification Sherloc (09022015). Collection method: clinical testing. Allele origin: germline.
Comment: This sequence change replaces cysteine, which is neutral and slightly polar, with arginine, which is basic and polar, at codon 365 of the ATP13A2 protein (p.Cys365Arg). This variant is present in population databases (no rsID available, gnomAD 0.006%). This variant has not been reported in the literature in individuals affected with ATP13A2-related conditions. Advanced modeling of protein sequence and biophysical properties (such as structural, functional, and spatial information, amino acid conservation, physicochemical variation, residue mobility, and thermodynamic stability) performed at Invitae indicates that this missense variant is not expected to disrupt ATP13A2 protein function. In summary, the available evidence is currently insufficient to determine the role of this variant in disease. Therefore, it has been classified as a Variant of Uncertain Significance.

NM_022089.4(ATP13A2):c.1093T>C (p.Cys365Arg)

Gene: ATP13A2 (ATPase cation transporting 13A2; minus strand). Cytogenetic location: 1p36.13.
Variant type: single nucleotide variant.
Coding change: c.1093T>C on transcript NM_022089.4 (MANE Select); coding-DNA position 1093, T replaced by C.
Protein change: p.Cys365Arg; replaces cysteine 365 with arginine.
Molecular consequence: missense variant.
Genome position (GRCh38, 1-based): chr1:16,997,122, A>G on the plus strand (T>C on the coding strand, the complement: ATP13A2 is on the minus strand). VCF-style: chr1-16997122-A-G. GRCh37 (hg19) VCF-style: chr1-17323617-A-G.
Other names: c.1078T>C, p.Cys360Arg (NM_001141973.3, NM_001141974.3); short protein forms C365R, C360R.
Identifiers: ClinVar variation 1931282 (VCV001931282.2), dbSNP rs1385346557, ClinGen allele CA338255203.